The following is an entry in ClinVar:

NM_001846.4(COL4A2):c.3686del (p.Gly1229fs)

Gene: COL4A2 (collagen type IV alpha 2 chain; plus strand). Cytogenetic location: 13q34.
Variant type: Deletion.
Coding change: c.3686del on transcript NM_001846.4 (MANE Select); coding-DNA position 3686, one base deleted (G; older notation c.3686delG).
Protein change: p.Gly1229fs; shifts the reading frame from glycine 1229.
Molecular consequence: frameshift variant.
Genome position (GRCh38, 1-based): chr13:110,495,393, G deleted; the last of 2 consecutive G bases (chr13:110,495,392-110,495,393); deleting either gives the same sequence. VCF-style (leftmost placement, unchanged base first): chr13-110495391-AG-A. GRCh37 (hg19) VCF-style: chr13-111147738-AG-A.
Other names: c.3686del (NM_001846.2); short protein forms G1229fs.
Identifiers: ClinVar variation 841927 (VCV000841927.2), dbSNP rs1883424044, ClinGen allele CA916083362.

ClinVar aggregate classification (germline): Uncertain significance. Review status: criteria provided, multiple submitters, no conflicts (2 of 4 stars). 2 submissions from 2 submitters: Uncertain significance (2). Last evaluated 2026-02-18.

Submissions (2):

GeneDx
Classification: Uncertain significance. Last evaluated: 2026-02-18. Review status: criteria provided, single submitter. Criteria: GeneDx Variant Classification Process June 2021. Collection method: clinical testing. Allele origin: germline.
Comment: Not observed at significant frequency in large population cohorts (gnomAD); Frameshift variant predicted to result in protein truncation or nonsense mediated decay in a gene or region of a gene for which loss of function is not a well-established mechanism of disease; Has not been previously published as pathogenic or benign to our knowledge

Labcorp Genetics (formerly Invitae), Labcorp
Classification: Uncertain significance. Last evaluated: 2019-12-24. Review status: criteria provided, single submitter. Criteria: Invitae Variant Classification Sherloc (09022015). Collection method: clinical testing. Allele origin: germline.
Comment: This sequence change creates a premature translational stop signal (p.Gly1229Valfs*63) in the COL4A2 gene. It is expected to result in an absent or disrupted protein product. This variant is not present in population databases (ExAC no frequency). This variant has been observed in individual(s) with clinical features of porencephaly (Invitae). The current clinical and genetic evidence is not sufficient to establish whether loss-of-function variants in COL4A2 cause disease. In summary, the available evidence is currently insufficient to determine the role of this variant in disease. Therefore, it has been classified as a Variant of Uncertain Significance.